The following is an entry in ClinVar:

ClinVar aggregate classification (germline): Pathogenic (1 of 4 stars; one submission).

Submission:

Labcorp Genetics (formerly Invitae), Labcorp
Classification: Pathogenic. Last evaluated: 2022-05-12. Review status: criteria provided, single submitter. Criteria: Invitae Variant Classification Sherloc (09022015). Collection method: clinical testing. Allele origin: germline.
Comment: This sequence change creates a premature translational stop signal (p.Ser1038Glufs*82) in the POLE gene. It is expected to result in an absent or disrupted protein product. Loss-of-function variants in POLE are known to be pathogenic (PMID: 23230001, 25948378, 30503519). This variant is not present in population databases (gnomAD no frequency). This variant has not been reported in the literature in individuals affected with POLE-related conditions. ClinVar contains an entry for this variant (Variation ID: 1018695). For these reasons, this variant has been classified as Pathogenic.

Literature cited by the submitters: PubMed 23230001; PubMed 25948378; PubMed 30503519.

NM_006231.4(POLE):c.3112_3122del (p.Ser1038fs)

Gene: POLE (DNA polymerase epsilon, catalytic subunit; minus strand). Cytogenetic location: 12q24.33.
Variant type: Deletion.
Coding change: c.3112_3122del on transcript NM_006231.4 (MANE Select); coding-DNA positions 3112 to 3122, 11 bases deleted (TCCATGTCTCG).
Protein change: p.Ser1038fs; shifts the reading frame from serine 1038.
Molecular consequence: frameshift variant.
Genome position (GRCh38, 1-based): chr12:132,659,448-132,659,458, CGAGACATGGA deleted on the plus strand (TCCATGTCTCG on the coding strand, the reverse complement: POLE is on the minus strand). VCF-style (leftmost placement, unchanged base first): chr12-132659447-CCGAGACATGGA-C. GRCh37 (hg19) VCF-style: chr12-133236033-CCGAGACATGGA-C.
Other names: short protein forms S1038fs.
Identifiers: ClinVar variation 1018695 (VCV001018695.10), dbSNP rs2042631091, ClinGen allele CA2072994634.
Genomic context (GRCh38, chr12:132,659,447, plus strand): 5'-GGCCAGGCGCTTTGCTGTGCTGATGGACGTAGACTTCTGCTCCCCGTAATCTTCCAGCTT[CCGAGACATGGA>C]ACGGTTCTCAGAGATGAGCTCGAATAGCTCAGAGTCAGGCATGTTGGCTGCCTAGAGAAA-3'